The following is an entry in ClinVar:

NM_005476.7(GNE):c.454_616+70delinsTAG

Gene: GNE (glucosamine (UDP-N-acetyl)-2-epimerase/N-acetylmannosamine kinase; minus strand). Cytogenetic location: 9p13.3.
Variant type: Indel.
Coding change: c.454_616+70delinsTAG on transcript NM_005476.7 (MANE Select); coding-DNA position 454 through 70 bases into the intron after coding-DNA position 616, the reference bases replaced by TAG.
Molecular consequence: splice donor variant.
Genome position (GRCh38, 1-based): chr9:36,245,961-36,246,193, 233 bases replaced. GRCh37 (hg19): chr9:36,245,958-36,246,190.
Other names: c.277_439+70delinsTAG (NM_001190388.2, NM_001190384.3, NM_001374798.1); c.547_709+70delinsTAG (NM_001128227.3); c.454_616+70delinsTAG (NM_001374797.1, NM_001190383.3).
Identifiers: ClinVar variation 1371995 (VCV001371995.6), dbSNP rs2133111012, ClinGen allele CA2573144542.

ClinVar aggregate classification (germline): Pathogenic (1 of 4 stars; one submission).

Conditions:
Sialuria. Also called: Sialic Acid Storage Disease; SIALURIA, FRENCH TYPE. Identifiers: Orphanet 3166, MedGen C0342853, MONDO:0010028, OMIM 269921.
GNE myopathy (NM). Also called: NONAKA DISTAL MYOPATHY; INCLUSION BODY MYOPATHY, HEREDITARY, AUTOSOMAL RECESSIVE; INCLUSION BODY MYOPATHY 2, AUTOSOMAL RECESSIVE; IBM 2; Inclusion body myopathy autosomal recessive; Inclusion body myopathy quadriceps sparing. Identifiers: Orphanet 602, MedGen C1853926, MONDO:0011603, OMIM 605820.

Submission:

Labcorp Genetics (formerly Invitae), Labcorp
Classification: Pathogenic for Sialuria; GNE myopathy. Last evaluated: 2020-12-31. Review status: criteria provided, single submitter. Criteria: Invitae Variant Classification Sherloc (09022015). Collection method: clinical testing. Allele origin: germline.
Comment: This variant results in the deletion of part of exon 3 (c.547_709+70delinsTAG) of the GNE gene. It is expected to disrupt RNA splicing. Variants that disrupt the donor or acceptor splice site typically lead to a loss of protein function (PMID: 16199547), and loss-of-function variants in GNE are known to be pathogenic (PMID: 24027297). This variant is not present in population databases (ExAC no frequency). This variant has not been reported in the literature in individuals with GNE-related conditions. This variant disrupts the p.Asp207 amino acid residue in GNE. Other variant(s) that disrupt this residue have been determined to be pathogenic (PMID: 12473753, 14707127, 28895049). This suggests that this residue is clinically significant, and that variants that disrupt this residue are likely to be disease-causing. For these reasons, this variant has been classified as Pathogenic.

Literature cited by the submitters: PubMed 16199547; PubMed 24027297; PubMed 12473753; PubMed 14707127; PubMed 28895049.